The following is an entry in ClinVar:

NM_001201543.2(FAM161A):c.163G>A (p.Ala55Thr)

Genes: FAM161A (FAM161 centrosomal protein A; minus strand), LOC129933843 (ATAC-STARR-seq lymphoblastoid active region 15839; plus strand). Cytogenetic location: 2p15.
Variant type: single nucleotide variant.
Coding change: c.163G>A on transcript NM_001201543.2 (MANE Select); coding-DNA position 163, G replaced by A.
Protein change: p.Ala55Thr; replaces alanine 55 with threonine.
Molecular consequence: missense variant. On other transcripts: non-coding transcript variant (1).
Genome position (GRCh38, 1-based): chr2:61,853,879, C>T on the plus strand (G>A on the coding strand, the complement: FAM161A is on the minus strand). VCF-style: chr2-61853879-C-T. GRCh37 (hg19) VCF-style: chr2-62081014-C-T.
Other names: c.163G>A, p.Ala55Thr (NM_032180.3); short protein forms A55T.
Identifiers: ClinVar variation 1486076 (VCV001486076.8), dbSNP rs2105111047, ClinGen allele CA346989810.

ClinVar aggregate classification (germline): Uncertain significance (1 of 4 stars; one submission).

Submission:

Labcorp Genetics (formerly Invitae), Labcorp
Classification: Uncertain significance. Last evaluated: 2021-04-20. Review status: criteria provided, single submitter. Criteria: Invitae Variant Classification Sherloc (09022015). Collection method: clinical testing. Allele origin: germline.
Comment: This variant is not present in population databases (ExAC no frequency). This sequence change replaces alanine with threonine at codon 55 of the FAM161A protein (p.Ala55Thr). The alanine residue is weakly conserved and there is a small physicochemical difference between alanine and threonine. This variant has not been reported in the literature in individuals with FAM161A-related conditions. Algorithms developed to predict the effect of missense changes on protein structure and function (SIFT, PolyPhen-2, Align-GVGD) all suggest that this variant is likely to be tolerated, but these predictions have not been confirmed by published functional studies and their clinical significance is uncertain. In summary, the available evidence is currently insufficient to determine the role of this variant in disease. Therefore, it has been classified as a Variant of Uncertain Significance.